The following is an entry in ClinVar:

NM_000059.4(BRCA2):c.7021C>T (p.Arg2341Cys)

Gene: BRCA2 (BRCA2 DNA repair associated; plus strand). Cytogenetic location: 13q13.1.
Variant type: single nucleotide variant.
Coding change: c.7021C>T on transcript NM_000059.4 (MANE Select); coding-DNA position 7021, C replaced by T.
Protein change: p.Arg2341Cys; replaces arginine 2341 with cysteine.
Molecular consequence: missense variant.
Genome position (GRCh38, 1-based): chr13:32,354,874, C>T. VCF-style: chr13-32354874-C-T. GRCh37 (hg19) VCF-style: chr13-32929011-C-T.
Other names: p.R2341C:CGT>TGT; 7249C>T; short protein forms R2341C.
Identifiers: ClinVar variation 91469 (VCV000091469.36), dbSNP rs41293505, ClinGen allele CA024759.

ClinVar aggregate classification (germline): Conflicting classifications of pathogenicity. Review status: criteria provided, conflicting classifications (1 of 4 stars). 12 submissions from 12 submitters: Uncertain significance (8); Likely benign (1). 3 of the submissions do not count toward it. Last evaluated 2026-03-30.

Conditions:
BRCA2-related cancer predisposition. Identifiers: MedGen CN377758, MONDO:0700269.
Breast and/or ovarian cancer. Identifiers: MedGen CN221562.
Hereditary cancer-predisposing syndrome. Also called: Hereditary neoplastic syndrome; Neoplastic Syndromes, Hereditary; Hereditary Cancer Syndrome; Tumor predisposition. Identifiers: Orphanet 140162, MedGen C0027672, MeSH D009386, MONDO:0015356.
Hereditary breast ovarian cancer syndrome. Also called: Hereditary breast and ovarian cancer syndrome (HBOC); Breast and ovarian cancer; Hereditary breast and ovarian cancer syndrome; BRCA1- and BRCA2-Associated Hereditary Breast and Ovarian Cancer; Hereditary breast and/or ovarian cancer syndrome; Hereditary breast and ovarian cancer. Identifiers: Orphanet 145, MedGen C0677776, MeSH D061325, MONDO:0003582. Disease mechanism: loss of function.
Breast-ovarian cancer, familial, susceptibility to, 2 (BROVCA2). Also called: BRCA2 Hereditary Breast and Ovarian Cancer. Identifiers: Orphanet 145, MedGen C2675520, MONDO:0012933, OMIM 612555. Disease mechanism: loss of function.
Familial cancer of breast. Also called: BREAST CANCER, FAMILIAL; hereditary breast carcinoma; Hereditary breast cancer. Identifiers: Orphanet 227535, MedGen C0346153, MONDO:0016419, OMIM 114480. Disease mechanism: loss of function.

Allele frequency attached by ClinVar (database versions not stated): TOPMed below 0.00001; gnomAD exomes 0.00001 and 0.00002; ExAC 0.00002.
gnomAD v4.1: 18 of 1,590,486 alleles (0.0011%); highest among the groups gnomAD compares: East Asian, 0.0045%; no homozygotes.

Submissions (12):

Women's Health and Genetics/Laboratory Corporation of America, LabCorp
Classification: Uncertain significance. Last evaluated: 2026-03-30. Review status: criteria provided, single submitter. Criteria: LabCorp Variant Classification Summary - May 2015. Collection method: clinical testing. Allele origin: germline.
Comment: Variant summary: BRCA2 c.7021C>T (p.Arg2341Cys) results in a non-conservative amino acid change located in the Linker region (Warren 2011) of the encoded protein sequence. Algorithms developed to predict the effect of missense changes on protein structure and function are either unavailable or do not agree on the potential impact of this missense change. The variant allele was found at a frequency of 2.2e-05 in 273044 control chromosomes. The available data on variant occurrences in the general population are insufficient to allow any conclusion about variant significance. c.7021C>T has been reported in the literature in individuals affected with Hereditary Breast and Ovarian Cancer (Warren_ 2011, Wong-Brown_2015, Momozawa_2018) and was also found in one patient with pancreatic cancer (Zhen_2014). These reports however do not provide unequivocal conclusions about association of the variant with Hereditary Breast and Ovarian Cancer. Co-occurrences with pathogenic variants have been reported in UMD database (BRCA1 c.3048_3067del; p.Asn1018HisfsX3 and BRCA2 c.3744_3747delTGAG ; p.Ser1248ArgfsX10), providing supporting evidence for a benign role. The variant was found to have no effect on splicing (Wai_2020). To our knowledge, no experimental evidence demonstrating an impact on protein function has been reported. The following publications have been ascertained in the context of this evaluation (PMID: 20858050, 30287823, 30086788, 32123317, 21741379, 25682074, 25356972). ClinVar contains an entry for this variant (Variation ID: 91469). Based on the evidence outlined above, the variant was classified as VUS-possibly benign.

Labcorp Genetics (formerly Invitae), Labcorp
Classification: Likely benign for Hereditary breast ovarian cancer syndrome. Last evaluated: 2025-07-22. Review status: criteria provided, single submitter. Criteria: Invitae Variant Classification Sherloc (09022015). Collection method: clinical testing. Allele origin: germline.

Ambry Genetics
Classification: Uncertain significance for Hereditary cancer-predisposing syndrome. Last evaluated: 2025-02-08. Review status: criteria provided, single submitter. Criteria: Ambry Variant Classification Scheme 2023. Collection method: clinical testing. Allele origin: germline.
Comment: The p.R2341C variant (also known as c.7021C>T), located in coding exon 13 of the BRCA2 gene, results from a C to T substitution at nucleotide position 7021. The arginine at codon 2341 is replaced by cysteine, an amino acid with highly dissimilar properties. This alteration has been detected in a suspected HBOC family and in multiple patients diagnosed with breast cancer (Warren CR et al. Exp. Cell Res. 2011 Sep; 317:2099-109; Wong-Brown MW et al. Breast Cancer Res. Treat. 2015 Feb; 150(1):71-80; Penkert J et al. Breast Cancer Res, 2018 08;20:87). This alteration has also been detected in a cohort of 727 patients with personal and family history of pancreatic cancer (Zhen DB et al. Genet. Med., 2015 Jul;17:569-77). Additionally, this alteration was observed in with an allele frequency of 0.00014 in 7,051 unselected female breast cancer patients and was observed with an allele frequency of 0 in 11,241 female controls of Japanese ancestry (Momozawa Y et al. Nat Commun, 2018 10;9:4083) and in 1/1358 non-cancer control individuals and in 0/57 cases, in a study looking at cancer predisposition mutations in patients with cutaneous melanoma and a history of at least two additional non-cutaneous melanoma primary cancers (Pritchard AL et al. PLoS One, 2018 Apr;13:e0194098). This amino acid position is not well conserved in available vertebrate species. In addition, the in silico prediction for this alteration is inconclusive. Based on the available evidence, the clinical significance of this variant remains unclear.

Department of Pathology and Laboratory Medicine, Sinai Health System
Classification: Uncertain significance for BRCA2-related cancer predisposition. Last evaluated: 2024-10-08. Review status: criteria provided, single submitter. Criteria: ACMG Guidelines, 2015. Collection method: clinical testing. Allele origin: germline.

All of Us Research Program, National Institutes of Health
Classification: Uncertain significance for BRCA2-related cancer predisposition. Last evaluated: 2024-07-20. Review status: criteria provided, single submitter. Criteria: ACMG Guidelines, 2015. Collection method: clinical testing. Allele origin: germline. Inheritance: Autosomal dominant inheritance. Observed: 4 variant alleles, 4 heterozygotes.
Comment: This missense variant replaces arginine with cysteine at codon 2341 of the BRCA2 protein. Computational prediction is inconclusive regarding the impact of this variant on protein structure and function. This variant did not impact function in a high throughput multiplexed NGS-based functional assay in mouse embryonic stem cells (PMID: 37922907). This variant has been observed in individuals affected with breast cancer (PMID: 21741379, 25682074, 30086788, 30287823), pancreatic cancer (PMID: 25356972), and prostate cancer (PMID: 31214711). This variant has been identified in 6/250562 chromosomes in the general population by the Genome Aggregation Database (gnomAD). The available evidence is insufficient to determine the role of this variant in disease conclusively. Therefore, this variant is classified as a Variant of Uncertain Significance.

This study involves interpretation of variants in research participants for the purpose of population health screening. Participant phenotype was not available at the time of variant classification. Additional details can be found in publication PMID: 35346344, PMCID: PMC8962531

Color Diagnostics, LLC DBA Color Health
Classification: Uncertain significance for Hereditary cancer-predisposing syndrome. Last evaluated: 2024-06-26. Review status: criteria provided, single submitter. Criteria: ACMG Guidelines, 2015. Collection method: clinical testing. Allele origin: germline.
Comment: This missense variant replaces arginine with cysteine at codon 2341 of the BRCA2 protein. Computational prediction is inconclusive regarding the impact of this variant on protein structure and function. This variant did not impact function in a high throughput multiplexed NGS-based functional assay in mouse embryonic stem cells (PMID: 37922907). This variant has been observed in individuals affected with breast cancer (PMID: 21741379, 25682074, 30086788, 30287823), pancreatic cancer (PMID: 25356972), and prostate cancer (PMID: 31214711). This variant has been identified in 6/250562 chromosomes in the general population by the Genome Aggregation Database (gnomAD). The available evidence is insufficient to determine the role of this variant in disease conclusively. Therefore, this variant is classified as a Variant of Uncertain Significance.

Baylor Genetics
Classification: Uncertain significance for Familial cancer of breast. Last evaluated: 2024-02-18. Review status: criteria provided, single submitter. Criteria: ACMG Guidelines, 2015. Collection method: clinical testing. Allele origin: unknown.

GeneDx
Classification: Uncertain significance. Last evaluated: 2023-07-19. Review status: criteria provided, single submitter. Criteria: GeneDx Variant Classification Process June 2021. Collection method: clinical testing. Allele origin: germline. Affected: yes.
Comment: In silico analysis supports that this missense variant does not alter protein structure/function; Observed in individuals with breast cancer or pancreatic cancer, but also in unaffected controls (Warren et al., 2011; Wong-Brown et al., 2015; Zhen et al., 2015; Momozawa et al., 2018; Penkert et al., 2018; Pritchard et al., 2018); Also known as 7249C>T; This variant is associated with the following publications: (PMID: 20858050, 21741379, 25682074, 25356972, 31131967, 30287823, 30086788, 29641532, 32123317, 29884841, 32377563)

Sema4
Classification: Uncertain significance for Hereditary cancer-predisposing syndrome. Last evaluated: 2021-11-03. Review status: criteria provided, single submitter. Criteria: Sema4 Curation Guidelines. Collection method: curation. Allele origin: germline.
Comment: The BRCA2 c.7021C>T (p.R2341C) variant has been reported in individuals with breast cancer and pancreatic cancer (PMID: 21741379, 25356972, 25682074, 30086788, 30287823). It was observed in 6/250562 chromosomes in the large and broad cohorts of the Genome Aggregation Database (PMID: 32461654). The variant has been reported in ClinVar (Variation ID 91469). In silico predictions of the variant's effect on protein function are inconclusive. An RNA study demonstrated normal splicing (PMID: 32123317). The evidence is insufficient to meet ACMG/AMP criteria for classifying the variant as benign or pathogenic. Thus, the clinical significance of this variant is currently uncertain.

Counsyl
Classification: Uncertain significance for Breast-ovarian cancer, familial, susceptibility to, 2. Last evaluated: 2017-12-27. Review status: no assertion criteria provided. Collection method: clinical testing. Allele origin: unknown. Not counted in ClinVar's aggregate classification.

Foulkes Cancer Genetics LDI, Lady Davis Institute for Medical Research
Classification: Likely benign for Breast and/or ovarian cancer. Last evaluated: 2012-05-10. Review status: no assertion criteria provided. Collection method: clinical testing. Allele origin: germline. Study: The Canadian Open Genetics Repository (COGR). Not counted in ClinVar's aggregate classification.

Sharing Clinical Reports Project (SCRP)
Classification: Uncertain significance for Breast-ovarian cancer, familial 2. Last evaluated: 2008-07-01. Review status: no assertion criteria provided. Collection method: clinical testing. Allele origin: germline. Not counted in ClinVar's aggregate classification.

Literature cited by the submitters: PubMed 20858050 (cited by Women's Health and Genetics/Laboratory Corporation of America, LabCorp and Counsyl); PubMed 21741379 (cited by 7 submitters); PubMed 25682074 (cited by 6 submitters); PubMed 25356972 (cited by 7 submitters); PubMed 30086788 (cited by 5 submitters); PubMed 30287823 (cited by 6 submitters); PubMed 32123317 (cited by Women's Health and Genetics/Laboratory Corporation of America, LabCorp and Department of Pathology and Laboratory Medicine, Sinai Health System); PubMed 29641532 (cited by Ambry Genetics); PubMed 31214711 (cited by 3 submitters); PubMed 37922907 (cited by All of Us Research Program, National Institutes of Health and Color Diagnostics, LLC DBA Color Health).